The following is an entry in ClinVar:

ClinVar aggregate classification (germline): Conflicting classifications of pathogenicity. Review status: criteria provided, conflicting classifications (1 of 4 stars). 4 submissions from 4 submitters: Uncertain significance (2); Likely benign (2). Last evaluated 2025-06-17.

Conditions:
PCNT-related disorder. Also called: PCNT-related condition.
Inborn genetic diseases. Identifiers: MedGen C0950123, MeSH D030342.

Allele frequency attached by ClinVar (database versions not stated): ExAC 0.00001; gnomAD exomes 0.00001; gnomAD 0.00015; TOPMed 0.00021.
gnomAD v4.1: 35 of 1,600,026 alleles (0.0022%); highest among the groups gnomAD compares: African/African-American, 0.044%; no homozygotes.

Submissions (4):

PreventionGenetics, part of Exact Sciences
Classification: Likely benign for PCNT-related condition. Last evaluated: 2025-06-17. Review status: criteria provided, single submitter. Criteria: ACMG Guidelines, 2015. Collection method: clinical testing. Allele origin: germline.
Comment: This variant is classified as likely benign based on ACMG/AMP sequence variant interpretation guidelines (Richards et al. 2015 PMID: 25741868, with internal and published modifications).

Ambry Genetics
Classification: Uncertain significance for Inborn genetic diseases. Last evaluated: 2024-03-25. Review status: criteria provided, single submitter. Criteria: Ambry Variant Classification Scheme 2023. Collection method: clinical testing. Allele origin: germline.

Blueprint Genetics
Classification: Likely benign. Last evaluated: 2023-08-03. Review status: criteria provided, single submitter. Criteria: ACMG Guidelines, 2015. Collection method: clinical testing. Allele origin: germline.

Labcorp Genetics (formerly Invitae), Labcorp
Classification: Uncertain significance. Last evaluated: 2022-02-13. Review status: criteria provided, single submitter. Criteria: Invitae Variant Classification Sherloc (09022015). Collection method: clinical testing. Allele origin: germline.
Comment: This sequence change replaces alanine, which is neutral and non-polar, with threonine, which is neutral and polar, at codon 1964 of the PCNT protein (p.Ala1964Thr). This variant is present in population databases (rs772942335, gnomAD 0.05%). This variant has not been reported in the literature in individuals affected with PCNT-related conditions. Algorithms developed to predict the effect of missense changes on protein structure and function output the following: SIFT: "Tolerated"; PolyPhen-2: "Benign"; Align-GVGD: "Class C0". The threonine amino acid residue is found in multiple mammalian species, which suggests that this missense change does not adversely affect protein function. In summary, the available evidence is currently insufficient to determine the role of this variant in disease. Therefore, it has been classified as a Variant of Uncertain Significance.

NM_006031.6(PCNT):c.5890G>A (p.Ala1964Thr)

Gene: PCNT (pericentrin; plus strand). Cytogenetic location: 21q22.3.
Variant type: single nucleotide variant.
Coding change: c.5890G>A on transcript NM_006031.6 (MANE Select); coding-DNA position 5890, G replaced by A.
Protein change: p.Ala1964Thr; replaces alanine 1964 with threonine.
Molecular consequence: missense variant.
Genome position (GRCh38, 1-based): chr21:46,411,963, G>A. VCF-style: chr21-46411963-G-A. GRCh37 (hg19) VCF-style: chr21-47831877-G-A.
Other names: c.5890G>A (NM_006031.5); c.5536G>A, p.Ala1846Thr (NM_001315529.2); short protein forms A1846T, A1964T.
Identifiers: ClinVar variation 2071165 (VCV002071165.6), dbSNP rs772942335, ClinGen allele CA10080115.
Genomic context (GRCh38, chr21:46,411,963, plus strand): 5'-CAGGTGGAGCTGGACAGGCGGCAGGCCCGCAGAGCCACAGCTCACACACGGGTGCCCGGG[G>A]CCCACCCACAGCCTCGCATGGATGGTGGCGCCAAGGCCCAGGTCACCGGCGACGTGGAGG-3'
Protein context (NP_006022.3, residues 1954-1974): RATAHTRVPG[Ala1964Thr]HPQPRMDGGA